The following is an entry in ClinVar:

ClinVar aggregate classification (germline): Uncertain significance (1 of 4 stars; one submission).

Conditions:
Cortical dysplasia-focal epilepsy syndrome (PTHSL1). Also called: Pitt-Hopkins-like syndrome 1. Identifiers: Orphanet 163681, Orphanet 221150, MedGen C2750246, MONDO:0012400, OMIM 610042.

Allele frequency attached by ClinVar (database versions not stated): gnomAD 0.00001.
gnomAD v4.1: 1 of 1,613,876 alleles (0.000062%); highest among the groups gnomAD compares: Non-Finnish European, 0.000085%; no homozygotes.

Submission:

Labcorp Genetics (formerly Invitae), Labcorp
Classification: Uncertain significance for Cortical dysplasia-focal epilepsy syndrome. Last evaluated: 2019-10-25. Review status: criteria provided, single submitter. Criteria: Invitae Variant Classification Sherloc (09022015). Collection method: clinical testing. Allele origin: germline.
Comment: In summary, the available evidence is currently insufficient to determine the role of this variant in disease. Therefore, it has been classified as a Variant of Uncertain Significance. Algorithms developed to predict the effect of missense changes on protein structure and function are either unavailable or do not agree on the potential impact of this missense change (SIFT: "Deleterious"; PolyPhen-2: "Benign"; Align-GVGD: "Class C0"). This variant has not been reported in the literature in individuals with CNTNAP2-related conditions. This variant is not present in population databases (ExAC no frequency). This sequence change replaces tyrosine with cysteine at codon 628 of the CNTNAP2 protein (p.Tyr628Cys). The tyrosine residue is moderately conserved and there is a large physicochemical difference between tyrosine and cysteine.

NM_014141.6(CNTNAP2):c.1883A>G (p.Tyr628Cys)

Gene: CNTNAP2 (contactin associated protein 2; plus strand). Cytogenetic location: 7q35.
Variant type: single nucleotide variant.
Coding change: c.1883A>G on transcript NM_014141.6 (MANE Select); coding-DNA position 1883, A replaced by G.
Protein change: p.Tyr628Cys; replaces tyrosine 628 with cysteine.
Molecular consequence: missense variant.
Genome position (GRCh38, 1-based): chr7:147,562,243, A>G. VCF-style: chr7-147562243-A-G. GRCh37 (hg19) VCF-style: chr7-147259335-A-G.
Other names: short protein forms Y628C.
Identifiers: ClinVar variation 969944 (VCV000969944.10), dbSNP rs1169812593, ClinGen allele CA369926734.
Genomic context (GRCh38, chr7:147,562,243, plus strand): 5'-CATCAAATTATTACTGGATAGATCCTGATGGCAGCGGACCTCTGGGGCCTCTGAAAGTTT[A>G]CTGCAACATGACAGGTAACTGTGTCATATTTATGTTTTATGAAGATGCTTTTCTATATGT-3'
Protein context (NP_054860.1, residues 618-638): GSGPLGPLKV[Tyr628Cys]CNMTEDKVWT